The following is an entry in ClinVar:

ClinVar aggregate classification (germline): Uncertain significance (1 of 4 stars; one submission).

Allele frequency attached by ClinVar (database versions not stated): gnomAD 0.00003; TOPMed 0.00003; gnomAD exomes 0.00004.
gnomAD v4.1: 59 of 1,607,964 alleles (0.0037%); highest among the groups gnomAD compares: Non-Finnish European, 0.0049%; no homozygotes.

Submission:

Labcorp Genetics (formerly Invitae), Labcorp
Classification: Uncertain significance. Last evaluated: 2023-09-14. Review status: criteria provided, single submitter. Criteria: Invitae Variant Classification Sherloc (09022015). Collection method: clinical testing. Allele origin: germline.
Comment: Variants that disrupt the consensus splice site are a relatively common cause of aberrant splicing (PMID: 17576681, 9536098). Algorithms developed to predict the effect of sequence changes on RNA splicing suggest that this variant is not likely to affect RNA splicing. This variant has not been reported in the literature in individuals affected with DGKZ-related conditions. This variant is present in population databases (no rsID available, gnomAD 0.005%). This sequence change falls in intron 31 of the DGKZ gene. It does not directly change the encoded amino acid sequence of the DGKZ protein. It affects a nucleotide within the consensus splice site. In summary, the available evidence is currently insufficient to determine the role of this variant in disease. Therefore, it has been classified as a Variant of Uncertain Significance.

Literature cited by the submitters: PubMed 17576681; PubMed 9536098.

NM_001199267.2(DGKZ):c.2671-3C>T

Gene: DGKZ (diacylglycerol kinase zeta; plus strand). Cytogenetic location: 11p11.2.
Variant type: single nucleotide variant.
Coding change: c.2671-3C>T on transcript NM_001199267.2 (MANE Select); 3 bases into the intron before coding-DNA position 2671, C replaced by T.
Molecular consequence: intron variant.
Genome position (GRCh38, 1-based): chr11:46,379,828, C>T. VCF-style: chr11-46379828-C-T. GRCh37 (hg19) VCF-style: chr11-46401378-C-T.
Other names: c.2722-3C>T (NM_201532.3); c.2686-3C>T (NM_201533.3); c.2689-3C>T (NM_001199266.2); c.2674-3C>T (NM_003646.4); c.2605-3C>T (NM_001199268.2); c.3238-3C>T (NM_001105540.2).
Identifiers: ClinVar variation 2899171 (VCV002899171.3), dbSNP rs1015367582, ClinGen allele CA221612128.
Genomic context (GRCh38, chr11:46,379,828, plus strand): 5'-TCAGCCTGCTAGGGGTTAGGCCTGCCTCTGGCCCCTGCTGATCGCAGCTCCGCCCTCCTC[C>T]AGGGCGACACTCCCCGGCAGCGGGCTGAGAAGGCTCAGGACACCGAGCTGGCCGCCTACC-3'